The following is an entry in ClinVar:

NM_001267550.2(TTN):c.33340+10T>C

Gene: TTN (titin; minus strand). Cytogenetic location: 2q31.2.
Variant type: single nucleotide variant.
Coding change: c.33340+10T>C on transcript NM_001267550.2 (MANE Select); 10 bases into the intron after coding-DNA position 33340, T replaced by C.
Molecular consequence: intron variant.
Genome position (GRCh38, 1-based): chr2:178,681,069, A>G on the plus strand (T>C on the coding strand, the complement: TTN is on the minus strand). VCF-style: chr2-178681069-A-G. GRCh37 (hg19) VCF-style: chr2-179545796-A-G.
Other names: p.?; c.33340+10T>C (NM_001267550.1); c.13283-38752T>C (NM_003319.4); c.13859-38752T>C (NM_133437.4); c.13658-38752T>C (NM_133432.3); c.29608+10T>C (NM_133378.4); c.32389+10T>C (NM_001256850.1).
Identifiers: ClinVar variation 46887 (VCV000046887.72), dbSNP rs72650039, ClinGen allele CA283152.

ClinVar aggregate classification (germline): Benign/Likely benign. Review status: criteria provided, multiple submitters, no conflicts (2 of 4 stars). 19 submissions from 12 submitters: Benign (15); Likely benign (4). Last evaluated 2026-02-03.

Conditions:
Dilated cardiomyopathy 1G (CMD1G). Identifiers: Orphanet 154, MedGen C1858763, MONDO:0011400, OMIM 604145.
Autosomal recessive limb-girdle muscular dystrophy type 2J (LGMDR10). Also called: MUSCULAR DYSTROPHY, LIMB-GIRDLE, AUTOSOMAL RECESSIVE 10; Limb-girdle muscular dystrophy, type 2J. Identifiers: Orphanet 140922, MedGen C1837342, MONDO:0012127, OMIM 608807.
Cardiomyopathy (CMYO). Also called: Cardiomyopathies. Identifiers: Orphanet 167848, MedGen C0878544, MONDO:0004994, HP:0001638. Inheritance: Various modes of inheritance.
Early-onset myopathy with fatal cardiomyopathy (CMYO5). Also called: CONGENITAL MYOPATHY 5 WITH CARDIOMYOPATHY; Salih Myopathy. Identifiers: Orphanet 289377, MedGen C2673677, MONDO:0012714, OMIM 611705. Disease mechanism: loss of function.
Myopathy, myofibrillar, 9, with early respiratory failure (MFM9). Also called: Myopathy, distal, with early respiratory failure, autosomal dominant; Hereditary myopathy with early respiratory failure; MYOPATHY, PROXIMAL, WITH EARLY RESPIRATORY MUSCLE INVOLVEMENT; EDSTROM MYOPATHY. Identifiers: Orphanet 178464, Orphanet 34521, MedGen C1863599, MONDO:0011362, OMIM 603689.
Tibial muscular dystrophy (TMD). Also called: Udd Distal Myopathy – Tibial Muscular Dystrophy; Tibial muscular dystrophy, tardive; UDD MYOPATHY. Identifiers: Orphanet 609, MedGen C1838244, MONDO:0010870, OMIM 600334.

Allele frequency attached by ClinVar (database versions not stated): gnomAD 0.00830 and 0.00770; 1000 Genomes Project 0.00899; ESP Exome Variant Server 0.00957; TOPMed 0.00832; 1000 Genomes Project 30x 0.00999; gnomAD exomes 0.00074 and 0.00191; ExAC 0.00243.
gnomAD v4.1: 2,278 of 1,585,356 alleles (0.14%); highest among the groups gnomAD compares: African/African-American, 2.6%; 25 homozygotes.

Submissions (19):

Labcorp Genetics (formerly Invitae), Labcorp
Classification: Benign for Dilated cardiomyopathy 1G; Autosomal recessive limb-girdle muscular dystrophy type 2J. Last evaluated: 2026-02-03. Review status: criteria provided, single submitter. Criteria: Invitae Variant Classification Sherloc (09022015). Collection method: clinical testing. Allele origin: germline.

ARUP Laboratories, Molecular Genetics and Genomics, ARUP Laboratories
Classification: Benign. Last evaluated: 2025-05-14. Review status: criteria provided, single submitter. Criteria: ARUP Molecular Germline Variant Investigation Process 2024. Collection method: clinical testing. Allele origin: germline.

Molecular Diagnostic Laboratory for Inherited Cardiovascular Disease, Montreal Heart Institute
Classification: Benign. Last evaluated: 2025-04-09. Review status: criteria provided, single submitter. Criteria: ACMG Guidelines, 2015. Collection method: clinical testing. Allele origin: germline. Affected: no.

Blueprint Genetics
Classification: Likely benign. Last evaluated: 2024-11-14. Review status: criteria provided, single submitter. Criteria: ACMG Guidelines, 2015. Collection method: clinical testing. Allele origin: germline.

Athena Diagnostics
Classification: Benign. Last evaluated: 2024-10-17. Review status: criteria provided, single submitter. Criteria: Athena Diagnostics Criteria. Collection method: clinical testing. Allele origin: unknown.

Mayo Clinic Laboratories, Mayo Clinic
Classification: Benign. Last evaluated: 2023-01-13. Review status: criteria provided, single submitter. Criteria: ACMG Guidelines, 2015. Collection method: clinical testing. Allele origin: germline. Observed: 27 variant alleles.
Comment: BS1, BS2

Genome-Nilou Lab
Classification: Benign for Autosomal recessive limb-girdle muscular dystrophy type 2J. Last evaluated: 2021-09-10. Review status: criteria provided, single submitter. Criteria: ACMG Guidelines, 2015. Collection method: clinical testing. Allele origin: germline. Affected: no.

Genome-Nilou Lab
Classification: Benign for Myopathy, myofibrillar, 9, with early respiratory failure. Last evaluated: 2021-09-10. Review status: criteria provided, single submitter. Criteria: ACMG Guidelines, 2015. Collection method: clinical testing. Allele origin: germline. Affected: no.

Genome-Nilou Lab
Classification: Benign for Early-onset myopathy with fatal cardiomyopathy. Last evaluated: 2021-09-10. Review status: criteria provided, single submitter. Criteria: ACMG Guidelines, 2015. Collection method: clinical testing. Allele origin: germline. Affected: no.

Genome-Nilou Lab
Classification: Benign for Tibial muscular dystrophy. Last evaluated: 2021-09-10. Review status: criteria provided, single submitter. Criteria: ACMG Guidelines, 2015. Collection method: clinical testing. Allele origin: germline. Affected: no.

Women's Health and Genetics/Laboratory Corporation of America, LabCorp
Classification: Benign. Last evaluated: 2021-02-08. Review status: criteria provided, single submitter. Criteria: LabCorp Variant Classification Summary - May 2015. Collection method: clinical testing. Allele origin: germline.

Illumina Laboratory Services, Illumina
Classification: Benign for Tibial muscular dystrophy. Last evaluated: 2018-01-13. Review status: criteria provided, single submitter. Criteria: ICSL Variant Classification Criteria 13 December 2019. Collection method: clinical testing. Allele origin: germline.
Comment: This variant was observed in the ICSL laboratory as part of a predisposition screen in an ostensibly healthy population. It had not been previously curated by ICSL or reported in the Human Gene Mutation Database (HGMD: prior to June 1st, 2018), and was therefore a candidate for classification through an automated scoring system. Utilizing variant allele frequency, disease prevalence and penetrance estimates, and inheritance mode, an automated score was calculated to assess if this variant is too frequent to cause the disease. Based on the score and internal cut-off values, a variant classified as benign is not then subjected to further curation. The score for this variant resulted in a classification of benign for this disease.

Illumina Laboratory Services, Illumina
Classification: Likely benign for Autosomal recessive limb-girdle muscular dystrophy type 2J. Last evaluated: 2018-01-13. Review status: criteria provided, single submitter. Criteria: ICSL Variant Classification Criteria 13 December 2019. Collection method: clinical testing. Allele origin: germline.
Comment: This variant was observed in the ICSL laboratory as part of a predisposition screen in an ostensibly healthy population. It had not been previously curated by ICSL or reported in the Human Gene Mutation Database (HGMD: prior to June 1st, 2018), and was therefore a candidate for classification through an automated scoring system. Utilizing variant allele frequency, disease prevalence and penetrance estimates, and inheritance mode, an automated score was calculated to assess if this variant is too frequent to cause the disease. Based on the score and internal cut-off values, a variant classified as likely benign is not then subjected to further curation. The score for this variant resulted in a classification of likely benign for this disease.

Illumina Laboratory Services, Illumina
Classification: Likely benign for Dilated cardiomyopathy 1G. Last evaluated: 2018-01-13. Review status: criteria provided, single submitter. Criteria: ICSL Variant Classification Criteria 13 December 2019. Collection method: clinical testing. Allele origin: germline.
Comment: the same text as in the submission from Illumina Laboratory Services, Illumina above.

Illumina Laboratory Services, Illumina
Classification: Likely benign for Early-onset myopathy with fatal cardiomyopathy. Last evaluated: 2018-01-13. Review status: criteria provided, single submitter. Criteria: ICSL Variant Classification Criteria 13 December 2019. Collection method: clinical testing. Allele origin: germline.
Comment: the same text as in the submission from Illumina Laboratory Services, Illumina above.

Illumina Laboratory Services, Illumina
Classification: Benign for Myopathy, myofibrillar, 9, with early respiratory failure. Last evaluated: 2018-01-13. Review status: criteria provided, single submitter. Criteria: ICSL Variant Classification Criteria 13 December 2019. Collection method: clinical testing. Allele origin: germline.
Comment: the same text as in the submission from Illumina Laboratory Services, Illumina above.

CHEO Genetics Diagnostic Laboratory, Children's Hospital of Eastern Ontario
Classification: Benign for Cardiomyopathy. Last evaluated: 2015-11-05. Review status: criteria provided, single submitter. Criteria: ACMG Guidelines, 2015. Collection method: clinical testing. Allele origin: germline. Study: Canadian Open Genetics Repository.

GeneDx
Classification: Benign. Last evaluated: 2014-06-19. Review status: criteria provided, single submitter. Criteria: GeneDx Variant Classification (06012015). Collection method: clinical testing. Allele origin: germline. Affected: yes.
Comment: This variant is considered likely benign or benign based on one or more of the following criteria: it is a conservative change, it occurs at a poorly conserved position in the protein, it is predicted to be benign by multiple in silico algorithms, and/or has population frequency not consistent with disease.

Laboratory for Molecular Medicine, Mass General Brigham Personalized Medicine
Classification: Benign. Last evaluated: 2012-03-16. Review status: criteria provided, single submitter. Criteria: LMM Criteria. Collection method: clinical testing. Allele origin: germline. Observed: 20 variant alleles.
Comment: 29608+10T>C in intron 135 of TTN: This variant is not expected to have clinical significance because it is not located within the splice consensus sequence and has been identified in 3.0% (88/2966) of African American chromosomes from a bro ad population by the NHLBI Exome Sequencing Project (u/EVS; dbSNP rs72650039).